The following is an entry in ClinVar:

NM_000719.7(CACNA1C):c.3457A>G (p.Ile1153Val)

Gene: CACNA1C (calcium voltage-gated channel subunit alpha1 C; plus strand). Cytogenetic location: 12p13.33.
Variant type: single nucleotide variant.
Coding change: c.3457A>G on transcript NM_000719.7 (MANE Select); coding-DNA position 3457, A replaced by G.
Protein change: p.Ile1153Val; replaces isoleucine 1153 with valine.
Molecular consequence: missense variant.
Genome position (GRCh38, 1-based): chr12:2,608,611, A>G. VCF-style: chr12-2608611-A-G. GRCh37 (hg19) VCF-style: chr12-2717777-A-G.
Other names: c.3517A>G, p.Ile1173Val (NM_001129827.2, NM_001129832.2, NM_199460.4); c.3457A>G, p.Ile1153Val (NM_001129829.2, NM_001129830.3, NM_001129831.2 and 15 more transcripts); c.3448A>G, p.Ile1150Val (NM_001129844.2); short protein forms I1153V, I1173V, I1150V.
Identifiers: ClinVar variation 518805 (VCV000518805.5), dbSNP rs370798052, ClinGen allele CA6389237.

ClinVar aggregate classification (germline): Uncertain significance (1 of 4 stars; one submission).

Conditions:
Cardiovascular phenotype. Identifiers: MedGen CN230736.

Allele frequency attached by ClinVar (database versions not stated): gnomAD exomes below 0.00001 and 0.00001; TOPMed below 0.00001; ExAC 0.00001; ESP Exome Variant Server 0.00008.
gnomAD v4.1: 3 of 1,613,210 alleles (0.00019%); highest among the groups gnomAD compares: South Asian, 0.0011%; no homozygotes.

Submission:

Ambry Genetics
Classification: Uncertain significance for Cardiovascular phenotype. Last evaluated: 2016-07-21. Review status: criteria provided, single submitter. Criteria: Ambry Variant Classification Scheme 2023. Collection method: clinical testing. Allele origin: germline.
Comment: The p.I1153V variant (also known as c.3457A>G), located in coding exon 27 of the CACNA1C gene, results from an A to G substitution at nucleotide position 3457. The isoleucine at codon 1153 is replaced by valine, an amino acid with highly similar properties. This amino acid position is highly conserved in available vertebrate species. In addition, the in silico prediction for this alteration is inconclusive. Since supporting evidence is limited at this time, the clinical significance of this alteration remains unclear.